The following is an entry in ClinVar:

NM_000548.5(TSC2):c.4859A>T (p.His1620Leu)

Gene: TSC2 (TSC complex subunit 2; plus strand). Cytogenetic location: 16p13.3.
Variant type: single nucleotide variant.
Coding change: c.4859A>T on transcript NM_000548.5 (MANE Select); coding-DNA position 4859, A replaced by T.
Protein change: p.His1620Leu; replaces histidine 1620 with leucine.
Molecular consequence: missense variant.
Genome position (GRCh38, 1-based): chr16:2,086,741, A>T. VCF-style: chr16-2086741-A-T. GRCh37 (hg19) VCF-style: chr16-2136742-A-T.
Other names: c.4658A>T, p.His1553Leu (NM_001077183.3); c.4790A>T, p.His1597Leu (NM_001114382.3); c.4550A>T, p.His1517Leu (NM_001318827.2); c.4514A>T, p.His1505Leu (NM_001318829.2); c.4127A>T, p.His1376Leu (NM_001318831.2); c.4691A>T, p.His1564Leu (NM_001318832.2); c.4661A>T, p.His1554Leu (NM_001363528.2); c.4727A>T, p.His1576Leu (NM_001370404.1); and 1 more; short protein forms H1620L, H1517L, H1554L, H1564L, H1597L, H1505L, H1553L, H1576L.
Identifiers: ClinVar variation 424510 (VCV000424510.2), dbSNP rs397515177, ClinGen allele CA16620101.

ClinVar aggregate classification (germline): Likely pathogenic (1 of 4 stars; one submission).

Submission:

GeneDx
Classification: Likely pathogenic. Last evaluated: 2017-12-29. Review status: criteria provided, single submitter. Criteria: GeneDx Variant Classification (06012015). Collection method: clinical testing. Allele origin: germline. Affected: yes.
Comment: A variant that is likely pathogenic has been identified in the TSC2 gene. The H1620L variant has not been published as a pathogenic variant, nor has it been reported as a benign variant to our knowledge. The H1620L variant is not observed in large population cohorts (Lek et al., 2016; 1000 Genomes Consortium et al., 2015; Exome Variant Server). The H1620L variant is a non-conservative amino acid substitution, which is likely to impact secondary protein structure as these residues differ in polarity, charge, size and/or other properties. This substitution occurs at a position that is conserved across species and in silico analysis predicts this variant is probably damaging to the protein structure/function. Additionally, other missense variants at the same codon (H1620Y/H1620R) and in nearby residues have been reported in association with TSC (Niida et al., 1996, Hoogeveen-Westerveld et al., 2013, 2009; Stenson et al., 2014; TSC2 LOVD), supporting the functional importance of this region of the protein. Therefore, this variant is likely pathogenic; however, the possibility that it is benign cannot be excluded.